The following is an entry in ClinVar:

NM_000388.4(CASR):c.384C>G (p.Phe128Leu)

Gene: CASR (calcium sensing receptor; plus strand). Cytogenetic location: 3q21.1.
Variant type: single nucleotide variant.
Coding change: c.384C>G on transcript NM_000388.4 (MANE Select); coding-DNA position 384, C replaced by G.
Protein change: p.Phe128Leu; replaces phenylalanine 128 with leucine.
Molecular consequence: missense variant.
Genome position (GRCh38, 1-based): chr3:122,257,279, C>G. VCF-style: chr3-122257279-C-G. GRCh37 (hg19) VCF-style: chr3-121976126-C-G.
Other names: c.384C>G (NM_000388.3); c.384C>G, p.Phe128Leu (NM_001178065.2); short protein forms F128L.
Identifiers: ClinVar variation 1454775 (VCV001454775.9), dbSNP rs1553766262, ClinGen allele CA354362785.

ClinVar aggregate classification (germline): Pathogenic. Review status: criteria provided, multiple submitters, no conflicts (2 of 4 stars). 2 submissions from 2 submitters: Pathogenic (2). Last evaluated 2023-05-20.

Conditions:
Familial hypocalciuric hypercalcemia (FHH). Also called: Familial benign hypercalcemia. Identifiers: Orphanet 405, MedGen C1809471, MONDO:0018458.
Autosomal dominant hypocalcemia 1 (HYPOC1). Also called: HYPOCALCEMIA, FAMILIAL. Identifiers: MedGen C3715128, MONDO:0011013, OMIM 601198.
Nephrolithiasis/nephrocalcinosis. Identifiers: MedGen CN580796.

Submissions (2):

Ambry Genetics
Classification: Pathogenic for Nephrolithiasis/nephrocalcinosis. Last evaluated: 2023-05-20. Review status: criteria provided, single submitter. Criteria: Ambry Variant Classification Scheme 2023. Collection method: clinical testing. Allele origin: germline.
Comment: The c.384C>G (p.F128L) alteration is located in exon 3 (coding exon 2) of the CASR gene. This alteration results from a C to G substitution at nucleotide position 384, causing the phenylalanine (F) at amino acid position 128 to be replaced by a leucine (L). Based on the supporting evidence, this alteration is pathogenic for CASR-related hypocalcemia; however, the association of this alteration with neonatal hyperparathyroidism/CASR-related hypocalciuric hypercalcemia is unknown. This variant was not reported in population-based cohorts in the Genome Aggregation Database (gnomAD). Two other alterations at the same codon, c.384C>A (p.F128L) and c.382T>C (p.F128L), have been detected in individuals with features consistent with CASR-related hypocalcemia (Pearce, 1996a; Raue, 2011) including one de novo occurrence (Ambry internal data). This amino acid position is highly conserved in available vertebrate species. Transient transfection of wildtype and CASR p.F128L mutant Ca2+ receptor (CaR) in HEK-293 cells demonstrated that CaR is active at lower concentrations of extracellular calcium in the mutant protein compared to wildtype, indicating gain of receptor function (Pearce, 1996b; Hauche, 2000). The in silico prediction for this alteration is inconclusive. Based on the available evidence, this alteration is classified as pathogenic.

Labcorp Genetics (formerly Invitae), Labcorp
Classification: Pathogenic for Familial hypocalciuric hypercalcemia; Autosomal dominant hypocalcemia 1. Last evaluated: 2022-01-26. Review status: criteria provided, single submitter. Criteria: Invitae Variant Classification Sherloc (09022015). Collection method: clinical testing. Allele origin: germline.
Comment: For these reasons, this variant has been classified as Pathogenic. Experimental studies have shown that this missense change affects CASR function (PMID: 8813042, 8878438, 17284438). Algorithms developed to predict the effect of missense changes on protein structure and function are either unavailable or do not agree on the potential impact of this missense change (SIFT: "Deleterious"; PolyPhen-2: "Possibly Damaging"; Align-GVGD: "Class C15"). This missense change has been observed in individual(s) with hypocalcemia and hypoparathyroidism (PMID: 8813042, 21645025). It has also been observed to segregate with disease in related individuals. This variant is not present in population databases (gnomAD no frequency). This sequence change replaces phenylalanine, which is neutral and non-polar, with leucine, which is neutral and non-polar, at codon 128 of the CASR protein (p.Phe128Leu).

Literature cited by the submitters: PubMed 8813042 (cited by Ambry Genetics and Labcorp Genetics (formerly Invitae), Labcorp); PubMed 8878438 (cited by Ambry Genetics and Labcorp Genetics (formerly Invitae), Labcorp); PubMed 11089548 (cited by Ambry Genetics); PubMed 17284438 (cited by Ambry Genetics and Labcorp Genetics (formerly Invitae), Labcorp); PubMed 21645025 (cited by Ambry Genetics and Labcorp Genetics (formerly Invitae), Labcorp); PubMed 25039540 (cited by Ambry Genetics); PubMed 35818129 (cited by Ambry Genetics).